The following is an entry in ClinVar:

NM_020778.5(ALPK3):c.1322C>T (p.Ala441Val)

Gene: ALPK3 (alpha kinase 3; plus strand). Cytogenetic location: 15q25.3.
Variant type: single nucleotide variant.
Coding change: c.1322C>T on transcript NM_020778.5 (MANE Select); coding-DNA position 1322, C replaced by T.
Protein change: p.Ala441Val; replaces alanine 441 with valine.
Molecular consequence: missense variant.
Genome position (GRCh38, 1-based): chr15:84,840,601, C>T. VCF-style: chr15-84840601-C-T. GRCh37 (hg19) VCF-style: chr15-85383832-C-T.
Other names: short protein forms A441V.
Identifiers: ClinVar variation 3696235 (VCV003696235.3), dbSNP rs559342068.

ClinVar aggregate classification (germline): Conflicting classifications of pathogenicity. Review status: criteria provided, conflicting classifications (1 of 4 stars). 2 submissions from 2 submitters: Uncertain significance (1); Likely benign (1). Last evaluated 2026-03-27.

gnomAD v4.1: 10 of 1,561,640 alleles (0.00064%); highest among the groups gnomAD compares: East Asian, 0.013%; no homozygotes.

Submissions (2):

Molecular Diagnostic Laboratory for Inherited Cardiovascular Disease, Montreal Heart Institute
Classification: Likely benign. Last evaluated: 2026-03-27. Review status: criteria provided, single submitter. Criteria: ACMG Guidelines, 2015. Collection method: clinical testing. Allele origin: germline. Affected: no.
Comment: BS1;BP4

Labcorp Genetics (formerly Invitae), Labcorp
Classification: Uncertain significance. Last evaluated: 2024-09-09. Review status: criteria provided, single submitter. Criteria: Invitae Variant Classification Sherloc (09022015). Collection method: clinical testing. Allele origin: germline.
Comment: This sequence change replaces alanine, which is neutral and non-polar, with valine, which is neutral and non-polar, at codon 643 of the ALPK3 protein (p.Ala643Val). This variant is present in population databases (no rsID available, gnomAD 0.001%). This variant has not been reported in the literature in individuals affected with ALPK3-related conditions. An algorithm developed to predict the effect of missense changes on protein structure and function outputs the following: PolyPhen-2: "Benign". The valine amino acid residue is found in multiple mammalian species, which suggests that this missense change does not adversely affect protein function. In summary, the available evidence is currently insufficient to determine the role of this variant in disease. Therefore, it has been classified as a Variant of Uncertain Significance.